The following is an entry in ClinVar:

ClinVar aggregate classification (germline): Uncertain significance. Review status: criteria provided, multiple submitters, no conflicts (2 of 4 stars). 2 submissions from 2 submitters: Uncertain significance (2). Last evaluated 2025-07-01.

gnomAD v4.1: 124 of 1,614,038 alleles (0.0077%); highest among the groups gnomAD compares: South Asian, 0.014%; no homozygotes.

Submissions (2):

Ambry Genetics
Classification: Uncertain significance. Last evaluated: 2025-07-01. Review status: criteria provided, single submitter. Criteria: Ambry Variant Classification Scheme 2023. Collection method: clinical testing. Allele origin: germline.

Labcorp Genetics (formerly Invitae), Labcorp
Classification: Uncertain significance. Last evaluated: 2025-05-17. Review status: criteria provided, single submitter. Criteria: Invitae Variant Classification Sherloc (09022015). Collection method: clinical testing. Allele origin: germline.
Comment: This sequence change replaces aspartic acid, which is acidic and polar, with asparagine, which is neutral and polar, at codon 373 of the TNS2 protein (p.Asp373Asn). This variant is present in population databases (rs140911911, gnomAD 0.06%). This variant has not been reported in the literature in individuals affected with TNS2-related conditions. ClinVar contains an entry for this variant (Variation ID: 3703256). An algorithm developed to predict the effect of missense changes on protein structure and function (PolyPhen-2) suggests that this variant is likely to be disruptive. In summary, the available evidence is currently insufficient to determine the role of this variant in disease. Therefore, it has been classified as a Variant of Uncertain Significance.

NM_170754.4(TNS2):c.1087G>A (p.Asp363Asn)

Gene: TNS2 (tensin 2; plus strand). Cytogenetic location: 12q13.13.
Variant type: single nucleotide variant.
Coding change: c.1087G>A on transcript NM_170754.4 (MANE Select); coding-DNA position 1087, G replaced by A.
Protein change: p.Asp363Asn; replaces aspartic acid 363 with asparagine.
Molecular consequence: missense variant.
Genome position (GRCh38, 1-based): chr12:53,058,094, G>A. VCF-style: chr12-53058094-G-A. GRCh37 (hg19) VCF-style: chr12-53451878-G-A.
Other names: c.1087G>A, p.Asp363Asn (NM_001416202.1, NM_001416204.1); c.1018G>A, p.Asp340Asn (NM_001416203.1, NM_015319.3); c.715G>A, p.Asp239Asn (NM_198316.2); c.1117G>A (NM_015319.2); short protein forms D239N, D340N, D363N.
Identifiers: ClinVar variation 3703256 (VCV003703256.3).